The following is an entry in ClinVar:

ClinVar aggregate classification (germline): Uncertain significance (1 of 4 stars; one submission).

Allele frequency attached by ClinVar (database versions not stated): ExAC 0.00001.
gnomAD v4.1: 2 of 1,614,106 alleles (0.00012%); highest among the groups gnomAD compares: Admixed American, 0.0033%; no homozygotes.

Submission:

Labcorp Genetics (formerly Invitae), Labcorp
Classification: Uncertain significance. Last evaluated: 2023-08-04. Review status: criteria provided, single submitter. Criteria: Invitae Variant Classification Sherloc (09022015). Collection method: clinical testing. Allele origin: germline.
Comment: This sequence change replaces valine, which is neutral and non-polar, with methionine, which is neutral and non-polar, at codon 1288 of the POLR1A protein (p.Val1288Met). In summary, the available evidence is currently insufficient to determine the role of this variant in disease. Therefore, it has been classified as a Variant of Uncertain Significance. Algorithms developed to predict the effect of sequence changes on RNA splicing suggest that this variant may disrupt the consensus splice site. Advanced modeling of protein sequence and biophysical properties (such as structural, functional, and spatial information, amino acid conservation, physicochemical variation, residue mobility, and thermodynamic stability) performed at Invitae indicates that this missense variant is expected to disrupt POLR1A protein function. ClinVar contains an entry for this variant (Variation ID: 1933069). This variant has not been reported in the literature in individuals affected with POLR1A-related conditions. This variant is present in population databases (rs758656592, gnomAD 0.006%).

NM_015425.6(POLR1A):c.3862G>A (p.Val1288Met)

Genes: POLR1A (RNA polymerase I subunit A; minus strand), LOC106783498 (conserved acetylation island sequence 34 enhancer; plus strand). Cytogenetic location: 2p11.2.
Variant type: single nucleotide variant.
Coding change: c.3862G>A on transcript NM_015425.6 (MANE Select); coding-DNA position 3862, G replaced by A.
Protein change: p.Val1288Met; replaces valine 1288 with methionine.
Molecular consequence: missense variant.
Genome position (GRCh38, 1-based): chr2:86,039,341, C>T on the plus strand (G>A on the coding strand, the complement: POLR1A is on the minus strand). VCF-style: chr2-86039341-C-T. GRCh37 (hg19) VCF-style: chr2-86266464-C-T.
Other names: short protein forms V1288M.
Identifiers: ClinVar variation 1933069 (VCV001933069.5), dbSNP rs758656592, ClinGen allele CA1745668.